The following is an entry in ClinVar:

NM_025000.4(DCAF17):c.1267-7C>T

Gene: DCAF17 (DDB1 and CUL4 associated factor 17; plus strand). Cytogenetic location: 2q31.1.
Variant type: single nucleotide variant.
Coding change: c.1267-7C>T on transcript NM_025000.4 (MANE Select); 7 bases into the intron before coding-DNA position 1267, C replaced by T.
Molecular consequence: intron variant.
Genome position (GRCh38, 1-based): chr2:171,480,031, C>T. VCF-style: chr2-171480031-C-T. GRCh37 (hg19) VCF-style: chr2-172336541-C-T.
Other names: p.?; c.1066-7C>T (NM_001164821.2).
Identifiers: ClinVar variation 128887 (VCV000128887.27), dbSNP rs3731981, ClinGen allele CA152554.

ClinVar aggregate classification (germline): Benign. Review status: criteria provided, multiple submitters, no conflicts (2 of 4 stars). 11 submissions from 11 submitters: Benign (7). 4 of the submissions do not count toward it. Last evaluated 2026-02-04.

Conditions:
Woodhouse-Sakati syndrome. Also called: Hypogonadism, diabetes mellitus, alopecia, mental retardation and electrocardiographic abnormalities; EXTRAPYRAMIDAL DISORDER, PROGRESSIVE, WITH PRIMARY HYPOGONADISM, MENTAL RETARDATION, AND ALOPECIA; Hypogonadism, Alopecia, Diabetes Mellitus, Mental Retardation, and Extrapyramidal Syndrome. Identifiers: Orphanet 3464, MedGen C0342286, MONDO:0009419, OMIM 241080.

Allele frequency attached by ClinVar (database versions not stated): ESP Exome Variant Server 0.19045; gnomAD 0.19769 and 0.20127; TOPMed 0.20059; 1000 Genomes Project 0.20607; gnomAD exomes 0.20745 and 0.23014; 1000 Genomes Project 30x 0.21034; ExAC 0.22428.
gnomAD v4.1: 333,691 of 1,612,156 alleles (21%); highest among the groups gnomAD compares: Admixed American, 33%; 36,121 homozygotes.

Submissions (11):

Labcorp Genetics (formerly Invitae), Labcorp
Classification: Benign for Woodhouse-Sakati syndrome. Last evaluated: 2026-02-04. Review status: criteria provided, single submitter. Criteria: Invitae Variant Classification Sherloc (09022015). Collection method: clinical testing. Allele origin: germline.

Unidad de Genómica Garrahan, Hospital de Pediatría Garrahan
Classification: Benign. Last evaluated: 2024-07-31. Review status: criteria provided, single submitter. Criteria: ACMG Guidelines, 2015. Collection method: clinical testing. Allele origin: germline. Affected: no. Observed: 46 variant alleles.
Comment: This variant is classified as Benign based on local population frequency. This variant was detected in 49% of patients studied in a panel designed for Epileptic and Developmental Encephalopathy, Progressive Myoclonus Epilepsy and Abnormal Movements and Neurodegeneration with brain iron accumulation. Number of patients: 46. Only high quality variants are reported.

Mayo Clinic Laboratories, Mayo Clinic
Classification: Benign. Last evaluated: 2022-03-24. Review status: criteria provided, single submitter. Criteria: ACMG Guidelines, 2015. Collection method: clinical testing. Allele origin: germline. Observed: 262 variant alleles.

GeneDx
Classification: Benign. Last evaluated: 2018-07-30. Review status: criteria provided, single submitter. Criteria: GeneDx Variant Classification Process June 2021. Collection method: clinical testing. Allele origin: germline. Affected: yes.

Illumina Laboratory Services, Illumina
Classification: Benign for Woodhouse-Sakati syndrome. Last evaluated: 2018-01-13. Review status: criteria provided, single submitter. Criteria: ICSL Variant Classification Criteria 13 December 2019. Collection method: clinical testing. Allele origin: germline.
Comment: This variant was observed in the ICSL laboratory as part of a predisposition screen in an ostensibly healthy population. It had not been previously curated by ICSL or reported in the Human Gene Mutation Database (HGMD: prior to June 1st, 2018), and was therefore a candidate for classification through an automated scoring system. Utilizing variant allele frequency, disease prevalence and penetrance estimates, and inheritance mode, an automated score was calculated to assess if this variant is too frequent to cause the disease. Based on the score and internal cut-off values, a variant classified as benign is not then subjected to further curation. The score for this variant resulted in a classification of benign for this disease.

Breakthrough Genomics
Classification: Benign. Review status: criteria provided, single submitter. Criteria: ACMG Guidelines, 2015. Collection method: not provided. Allele origin: germline. Inheritance: Autosomal recessive inheritance. Affected: yes.

Clinical Genomics, Uppaluri K&H Personalized Medicine Clinic
Classification: Benign for Woodhouse-Sakati syndrome. Review status: criteria provided, single submitter. Criteria: K & H Uppaluri Personalized Medicine Clinic Variant Classification & Assertion Criteria_Updated V.1. Collection method: research. Allele origin: unknown. Inheritance: Autosomal recessive inheritance.
Comment: Mutations in DCAF17 have been associated with a rare syndrome called Woodhouse Sakati Syndrome, which can have diabetes mellitus as one of the presentations.However no sufficient evidence is found to ascertain the role of this particular variant rs3731981, yet.

Clinical Genetics DNA and cytogenetics Diagnostics Lab, Erasmus MC, Erasmus Medical Center
Classification: Benign. Review status: no assertion criteria provided. Collection method: clinical testing. Allele origin: germline. Affected: yes. Study: VKGL Data-share Consensus. Not counted in ClinVar's aggregate classification.

Diagnostic Laboratory, Department of Genetics, University Medical Center Groningen
Classification: Benign for Woodhouse-Sakati syndrome. Review status: no assertion criteria provided. Collection method: clinical testing. Allele origin: germline. Affected: yes. Study: VKGL Data-share Consensus. Not counted in ClinVar's aggregate classification.

Genetic Services Laboratory, University of Chicago
Classification: Likely benign for AllHighlyPenetrant. Review status: no assertion criteria provided. Collection method: clinical testing. Allele origin: germline. Inheritance: Autosomal recessive inheritance. Not counted in ClinVar's aggregate classification.
Comment: Likely benign based on allele frequency in 1000 Genomes Project or ESP global frequency and its presence in a patient with a rare or unrelated disease phenotype. NOT Sanger confirmed.

Genome Diagnostics Laboratory, Amsterdam University Medical Center
Classification: Benign. Review status: no assertion criteria provided. Collection method: clinical testing. Allele origin: germline. Affected: yes. Study: VKGL Data-share Consensus. Not counted in ClinVar's aggregate classification.

Literature cited by the submitters: PubMed 31347785 (cited by Clinical Genomics, Uppaluri K&H Personalized Medicine Clinic); PubMed 35876063 (cited by Clinical Genomics, Uppaluri K&H Personalized Medicine Clinic); PubMed 27489925 (cited by Clinical Genomics, Uppaluri K&H Personalized Medicine Clinic).